The following is an entry in ClinVar:

NM_001378030.1(CCDC78):c.772G>A (p.Ala258Thr)

Gene: CCDC78 (coiled-coil domain containing 78; minus strand). Cytogenetic location: 16p13.3.
Variant type: single nucleotide variant.
Coding change: c.772G>A on transcript NM_001378030.1 (MANE Select); coding-DNA position 772, G replaced by A.
Protein change: p.Ala258Thr; replaces alanine 258 with threonine.
Molecular consequence: missense variant. On other transcripts: non-coding transcript variant (5).
Genome position (GRCh38, 1-based): chr16:724,503, C>T on the plus strand (G>A on the coding strand, the complement: CCDC78 is on the minus strand). VCF-style: chr16-724503-C-T. GRCh37 (hg19) VCF-style: chr16-774503-C-T.
Other names: c.772G>A, p.Ala258Thr (NM_001031737.3, NM_001378031.1); c.205G>A, p.Ala69Thr (NM_001378033.1); short protein forms A258T, A69T.
Identifiers: ClinVar variation 473267 (VCV000473267.8), dbSNP rs778696812, ClinGen allele CA7789398.

ClinVar aggregate classification (germline): Uncertain significance. Review status: criteria provided, multiple submitters, no conflicts (2 of 4 stars). 2 submissions from 2 submitters: Uncertain significance (2). Last evaluated 2025-12-15.

Conditions:
Congenital myopathy with internal nuclei and atypical cores. Also called: Myopathy, centronuclear, 4. Identifiers: Orphanet 319160, MedGen C4707232, MONDO:0013890, OMIM 614807.
Inborn genetic diseases. Identifiers: MedGen C0950123, MeSH D030342.

Allele frequency attached by ClinVar (database versions not stated): ExAC 0.00001; gnomAD 0.00001; gnomAD exomes 0.00002 and 0.00003; TOPMed 0.00002.
gnomAD v4.1: 41 of 1,597,992 alleles (0.0026%); highest among the groups gnomAD compares: Non-Finnish European, 0.0031%; no homozygotes.

Submissions (2):

Labcorp Genetics (formerly Invitae), Labcorp
Classification: Uncertain significance for Congenital myopathy with internal nuclei and atypical cores. Last evaluated: 2025-12-15. Review status: criteria provided, single submitter. Criteria: Invitae Variant Classification Sherloc (09022015). Collection method: clinical testing. Allele origin: germline.
Comment: This sequence change replaces alanine, which is neutral and non-polar, with threonine, which is neutral and polar, at codon 258 of the CCDC78 protein (p.Ala258Thr). The frequency data for this variant in the population databases is considered unreliable, as metrics indicate poor data quality at this position in the gnomAD database. This variant has not been reported in the literature in individuals affected with CCDC78-related conditions. ClinVar contains an entry for this variant (Variation ID: 473267). Invitae Evidence Modeling of protein sequence and biophysical properties (such as structural, functional, and spatial information, amino acid conservation, physicochemical variation, residue mobility, and thermodynamic stability) indicates that this missense variant is not expected to disrupt CCDC78 protein function with a negative predictive value of 80%. In summary, the available evidence is currently insufficient to determine the role of this variant in disease. Therefore, it has been classified as a Variant of Uncertain Significance.

Ambry Genetics
Classification: Uncertain significance for Inborn genetic diseases. Last evaluated: 2025-08-05. Review status: criteria provided, single submitter. Criteria: Ambry Variant Classification Scheme 2023. Collection method: clinical testing. Allele origin: germline.